The following is an entry in ClinVar:

ClinVar aggregate classification (germline): Uncertain significance (1 of 4 stars; one submission).

Submission:

Labcorp Genetics (formerly Invitae), Labcorp
Classification: Uncertain significance. Last evaluated: 2023-10-29. Review status: criteria provided, single submitter. Criteria: Invitae Variant Classification Sherloc (09022015). Collection method: clinical testing. Allele origin: germline.
Comment: This sequence change replaces valine, which is neutral and non-polar, with isoleucine, which is neutral and non-polar, at codon 30 of the RP1L1 protein (p.Val30Ile). This variant is not present in population databases (gnomAD no frequency). This variant has not been reported in the literature in individuals affected with RP1L1-related conditions. Advanced modeling of protein sequence and biophysical properties (such as structural, functional, and spatial information, amino acid conservation, physicochemical variation, residue mobility, and thermodynamic stability) performed at Invitae indicates that this missense variant is not expected to disrupt RP1L1 protein function with a negative predictive value of 80%. In summary, the available evidence is currently insufficient to determine the role of this variant in disease. Therefore, it has been classified as a Variant of Uncertain Significance.

NM_178857.6(RP1L1):c.88G>A (p.Val30Ile)

Gene: RP1L1 (RP1 like 1). Cytogenetic location: 8p23.1.
Variant type: single nucleotide variant.
Coding change: c.88G>A on transcript NM_178857.6 (MANE Select); coding-DNA position 88, G replaced by A.
Protein change: p.Val30Ile; replaces valine 30 with isoleucine.
Molecular consequence: missense variant.
Genome position (GRCh38, 1-based): chr8:10,623,114, C>T on the plus strand (G>A on the coding strand, the complement: RP1L1 is on the minus strand). VCF-style: chr8-10623114-C-T. GRCh37 (hg19) VCF-style: chr8-10480624-C-T.
Other names: short protein forms V30I.
Identifiers: ClinVar variation 3019162 (VCV003019162.3), dbSNP rs968564698, ClinGen allele CA171955005.